The following is an entry in ClinVar:

ClinVar aggregate classification (germline): Benign. Review status: criteria provided, multiple submitters, no conflicts (2 of 4 stars). 3 submissions from 3 submitters: Benign (3). Last evaluated 2018-06-13.

Conditions:
ALDH18A1-related de Barsy syndrome. Also called: Cutis laxa, autosomal recessive IIIA; DE BARSY SYNDROME A. Identifiers: Orphanet 2962, Orphanet 35664, MedGen C5234852, MONDO:0009053, OMIM 219150.

Allele frequency attached by ClinVar (database versions not stated): 1000 Genomes Project 0.20008; 1000 Genomes Project 30x 0.20753; gnomAD 0.27635 and 0.27959; TOPMed 0.27988; gnomAD exomes 0.35291.
gnomAD v4.1: 344,587 of 1,012,226 alleles (34%); highest among the groups gnomAD compares: Admixed American, 40%; 61,327 homozygotes.

Submissions (3):

Blueprint Genetics
Classification: Benign. Last evaluated: 2018-06-13. Review status: criteria provided, single submitter. Criteria: ACMG Guidelines, 2015. Collection method: clinical testing. Allele origin: germline.

Illumina Laboratory Services, Illumina
Classification: Benign for ALDH18A1-related de Barsy syndrome. Last evaluated: 2018-01-13. Review status: criteria provided, single submitter. Criteria: ICSL Variant Classification Criteria 13 December 2019. Collection method: clinical testing. Allele origin: germline.
Comment: This variant was observed in the ICSL laboratory as part of a predisposition screen in an ostensibly healthy population. It had not been previously curated by ICSL or reported in the Human Gene Mutation Database (HGMD: prior to June 1st, 2018), and was therefore a candidate for classification through an automated scoring system. Utilizing variant allele frequency, disease prevalence and penetrance estimates, and inheritance mode, an automated score was calculated to assess if this variant is too frequent to cause the disease. Based on the score and internal cut-off values, a variant classified as benign is not then subjected to further curation. The score for this variant resulted in a classification of benign for this disease.

Breakthrough Genomics
Classification: Benign. Review status: criteria provided, single submitter. Criteria: ACMG Guidelines, 2015. Collection method: not provided. Allele origin: germline. Inheritance: Autosomal recessive inheritance. Affected: yes.

NM_002860.4(ALDH18A1):c.*412T>C

Gene: ALDH18A1 (aldehyde dehydrogenase 18 family member A1; minus strand). Cytogenetic location: 10q24.1.
Variant type: single nucleotide variant.
Coding change: c.*412T>C on transcript NM_002860.4 (MANE Select); 412 bases downstream of the stop codon, T replaced by C.
Molecular consequence: 3 prime UTR variant.
Genome position (GRCh38, 1-based): chr10:95,606,350, A>G on the plus strand (T>C on the coding strand, the complement: ALDH18A1 is on the minus strand). VCF-style: chr10-95606350-A-G. GRCh37 (hg19) VCF-style: chr10-97366107-A-G.
Other names: c.*412T>C (NM_001017423.2, NM_001323412.2, NM_001323413.2 and 6 more transcripts).
Identifiers: ClinVar variation 301749 (VCV000301749.7), dbSNP rs8758, ClinGen allele CA10636988.